The following is an entry in ClinVar:

NM_012079.6(DGAT1):c.1450_1452del (p.Pro484del)

Gene: DGAT1 (diacylglycerol O-acyltransferase 1; minus strand). Cytogenetic location: 8q24.3.
Variant type: Deletion.
Coding change: c.1450_1452del on transcript NM_012079.6 (MANE Select); coding-DNA positions 1450 to 1452, 3 bases deleted (CCA; older notation c.1450_1452delCCA).
Protein change: p.Pro484del; deletes proline 484.
Molecular consequence: inframe deletion.
Genome position (GRCh38, 1-based): chr8:144,316,569-144,316,571, TGG deleted on the plus strand (CCA on the coding strand, the reverse complement: DGAT1 is on the minus strand). VCF-style (leftmost placement, unchanged base first): chr8-144316568-CTGG-C. GRCh37 (hg19) VCF-style: chr8-145540231-CTGG-C.
Other names: short protein forms P484del.
Identifiers: ClinVar variation 1422316 (VCV001422316.3), dbSNP rs1554847021, ClinGen allele CA586161823.

ClinVar aggregate classification (germline): Uncertain significance (1 of 4 stars; one submission).

Allele frequency attached by ClinVar (database versions not stated): gnomAD exomes below 0.00001 and 0.00005.

Submission:

Labcorp Genetics (formerly Invitae), Labcorp
Classification: Uncertain significance. Last evaluated: 2022-08-23. Review status: criteria provided, single submitter. Criteria: Invitae Variant Classification Sherloc (09022015). Collection method: clinical testing. Allele origin: germline.
Comment: This variant, c.1450_1452del, results in the deletion of 1 amino acid(s) of the DGAT1 protein (p.Pro484del), but otherwise preserves the integrity of the reading frame. This variant is present in population databases (no rsID available, gnomAD 0.001%). This variant has not been reported in the literature in individuals affected with DGAT1-related conditions. ClinVar contains an entry for this variant (Variation ID: 1422316). Experimental studies and prediction algorithms are not available or were not evaluated, and the functional significance of this variant is currently unknown. In summary, the available evidence is currently insufficient to determine the role of this variant in disease. Therefore, it has been classified as a Variant of Uncertain Significance.